The following is an entry in ClinVar:

ClinVar aggregate classification (germline): Likely pathogenic (1 of 4 stars; one submission).

Conditions:
Hereditary spastic paraplegia 8 (SPG8). Also called: SPASTIC PARAPLEGIA 8, AUTOSOMAL DOMINANT. Identifiers: Orphanet 100989, MedGen C1863704, MONDO:0011339, OMIM 603563.
Ritscher-Schinzel syndrome. Also called: CRANIOCEREBELLOCARDIAC DYSPLASIA. Identifiers: Orphanet 7, MedGen C0796137, MONDO:0019078.

Allele frequency attached by ClinVar (database versions not stated): gnomAD exomes 0.00001; gnomAD 0.00001; TOPMed 0.00001.
gnomAD v4.1: 11 of 1,613,802 alleles (0.00068%); highest among the groups gnomAD compares: Non-Finnish European, 0.00085%; no homozygotes.

Submission:

Labcorp Genetics (formerly Invitae), Labcorp
Classification: Likely pathogenic for Ritscher-Schinzel syndrome; Hereditary spastic paraplegia 8. Last evaluated: 2024-01-24. Review status: criteria provided, single submitter. Criteria: Invitae Variant Classification Sherloc (09022015). Collection method: clinical testing. Allele origin: germline.
Comment: This sequence change affects an acceptor splice site in intron 20 of the WASHC5 gene. It is expected to disrupt RNA splicing. Variants that disrupt the donor or acceptor splice site typically lead to a loss of protein function (PMID: 16199547), and loss-of-function variants in WASHC5 are known to be pathogenic (PMID: 24065355). This variant is not present in population databases (gnomAD no frequency). Disruption of this splice site has been observed in individual(s) with WASHC5-related conditions (PMID: 33662919). ClinVar contains an entry for this variant (Variation ID: 1430473). Algorithms developed to predict the effect of sequence changes on RNA splicing suggest that this variant may disrupt the consensus splice site. In summary, the currently available evidence indicates that the variant is pathogenic, but additional data are needed to prove that conclusively. Therefore, this variant has been classified as Likely Pathogenic.

Literature cited by the submitters: PubMed 16199547; PubMed 24065355; PubMed 33662919.

NM_014846.4(WASHC5):c.2505-1G>C

Genes: WASHC5 (WASH complex subunit 5; minus strand), WASHC5-AS1 (WASHC5 antisense RNA 1; plus strand). Cytogenetic location: 8q24.13.
Variant type: single nucleotide variant.
Coding change: c.2505-1G>C on transcript NM_014846.4 (MANE Select); the canonical splice acceptor site of the intron before coding-DNA position 2505, G replaced by C.
Molecular consequence: splice acceptor variant. On other transcripts: non-coding transcript variant (1).
Genome position (GRCh38, 1-based): chr8:125,044,699, C>G on the plus strand (G>C on the coding strand, the complement: WASHC5 is on the minus strand). VCF-style: chr8-125044699-C-G. GRCh37 (hg19) VCF-style: chr8-126056941-C-G.
Other names: c.2061-1G>C (NM_001330609.2).
Identifiers: ClinVar variation 1430473 (VCV001430473.8), dbSNP rs953586472, ClinGen allele CA185294189.
Genomic context (GRCh38, chr8:125,044,699, plus strand): 5'-ACTTCCTGATGAGTTTTCATATCATACCAAGTGTTCAGCTGGTCTATGTGACATGTCATT[C>G]TAAAATGAAAACAATGCAAAAACCCCAGAATGGCTCAGAATTCATCCTTAAAGAGATGTT-3'